The following is an entry in ClinVar:

ClinVar aggregate classification (germline): Pathogenic (0 of 4 stars; one submission).

Conditions:
Deficiency of ferroxidase (ACEP). Also called: Deficiency of ceruloplasmin; Aceruloplasminemia; Ceruloplasmin deficiency; Familial apoceruloplasmin deficiency; Hereditary ceruloplasmin deficiency; NEURODEGENERATION WITH BRAIN IRON ACCUMULATION 10. Identifiers: Orphanet 48818, MedGen C0878682, MONDO:0011426, OMIM 604290, HP:0025498.

Submission:

GeneReviews
Classification: Pathogenic for Aceruloplasminemia. Last evaluated: 2013-04-18. Review status: no assertion criteria provided. Collection method: curation. Allele origin: unknown.
ClinVar note: Converted during submission from pathologic to Pathogenic.

NM_000096.4(CP):c.1874G>A (p.Gly625Glu)

Gene: CP (ceruloplasmin; minus strand). Cytogenetic location: 3q24.
Variant type: single nucleotide variant.
Coding change: c.1874G>A on transcript NM_000096.4 (MANE Select); coding-DNA position 1874, G replaced by A.
Protein change: p.Gly625Glu; replaces glycine 625 with glutamic acid.
Molecular consequence: missense variant.
Genome position (GRCh38, 1-based): chr3:149,186,723, C>T on the plus strand (G>A on the coding strand, the complement: CP is on the minus strand). VCF-style: chr3-149186723-C-T. GRCh37 (hg19) VCF-style: chr3-148904510-C-T.
Other names: G606E; short protein forms G625E.
Identifiers: ClinVar variation 42052 (VCV000042052.3), dbSNP rs386134129, ClinGen allele CA344483.